The following is an entry in ClinVar:

NM_004380.3(CREBBP):c.3272G>A (p.Arg1091His)

Gene: CREBBP (CREB binding lysine acetyltransferase; minus strand). Cytogenetic location: 16p13.3.
Variant type: single nucleotide variant.
Coding change: c.3272G>A on transcript NM_004380.3 (MANE Select); coding-DNA position 3272, G replaced by A.
Protein change: p.Arg1091His; replaces arginine 1091 with histidine.
Molecular consequence: missense variant.
Genome position (GRCh38, 1-based): chr16:3,758,951, C>T on the plus strand (G>A on the coding strand, the complement: CREBBP is on the minus strand). VCF-style: chr16-3758951-C-T. GRCh37 (hg19) VCF-style: chr16-3808952-C-T.
Other names: c.3158G>A, p.Arg1053His (NM_001079846.1); short protein forms R1091H, R1053H.
Identifiers: ClinVar variation 4747492 (VCV004747492.1).

ClinVar aggregate classification (germline): Uncertain significance (1 of 4 stars; one submission).

Conditions:
Rubinstein-Taybi syndrome (RSTS). Identifiers: Orphanet 783, MedGen C0035934, MONDO:0019188.

gnomAD v4.1: 1 of 1,612,902 alleles (0.000062%); highest among the groups gnomAD compares: Non-Finnish European, 0.000085%; no homozygotes.

Submission:

Labcorp Genetics (formerly Invitae), Labcorp
Classification: Uncertain significance for Rubinstein-Taybi syndrome. Last evaluated: 2025-06-12. Review status: criteria provided, single submitter. Criteria: Invitae Variant Classification Sherloc (09022015). Collection method: clinical testing. Allele origin: germline.
Comment: This sequence change replaces arginine, which is basic and polar, with histidine, which is basic and polar, at codon 1091 of the CREBBP protein (p.Arg1091His). This variant is not present in population databases (gnomAD no frequency). This variant has not been reported in the literature in individuals affected with CREBBP-related conditions. Invitae Evidence Modeling of protein sequence and biophysical properties (such as structural, functional, and spatial information, amino acid conservation, physicochemical variation, residue mobility, and thermodynamic stability) indicates that this missense variant is expected to disrupt CREBBP protein function with a positive predictive value of 80%. In summary, the available evidence is currently insufficient to determine the role of this variant in disease. Therefore, it has been classified as a Variant of Uncertain Significance.